The following is an entry in ClinVar:

NM_004104.5(FASN):c.1513G>A (p.Gly505Arg)

Gene: FASN (fatty acid synthase; minus strand). Cytogenetic location: 17q25.3.
Variant type: single nucleotide variant.
Coding change: c.1513G>A on transcript NM_004104.5 (MANE Select); coding-DNA position 1513, G replaced by A.
Protein change: p.Gly505Arg; replaces glycine 505 with arginine.
Molecular consequence: missense variant.
Genome position (GRCh38, 1-based): chr17:82,091,049, C>T on the plus strand (G>A on the coding strand, the complement: FASN is on the minus strand). VCF-style: chr17-82091049-C-T. GRCh37 (hg19) VCF-style: chr17-80048925-C-T.
Other names: short protein forms G505R.
Identifiers: ClinVar variation 2906357 (VCV002906357.3), dbSNP rs778595263, ClinGen allele CA8853122.

ClinVar aggregate classification (germline): Uncertain significance (1 of 4 stars; one submission).

Conditions:
Epileptic encephalopathy. Identifiers: MedGen C0543888, HP:0200134.

Allele frequency attached by ClinVar (database versions not stated): gnomAD 0.00001; gnomAD exomes 0.00002; TOPMed 0.00002; ExAC 0.00003.
gnomAD v4.1: 28 of 1,612,010 alleles (0.0017%); highest among the groups gnomAD compares: South Asian, 0.0055%; no homozygotes.

Submission:

Labcorp Genetics (formerly Invitae), Labcorp
Classification: Uncertain significance for Epileptic encephalopathy. Last evaluated: 2025-12-15. Review status: criteria provided, single submitter. Criteria: Invitae Variant Classification Sherloc (09022015). Collection method: clinical testing. Allele origin: germline.
Comment: This sequence change replaces glycine, which is neutral and non-polar, with arginine, which is basic and polar, at codon 505 of the FASN protein (p.Gly505Arg). This variant is present in population databases (rs778595263, gnomAD 0.01%). This variant has not been reported in the literature in individuals affected with FASN-related conditions. ClinVar contains an entry for this variant (Variation ID: 2906357). An algorithm developed to predict the effect of missense changes on protein structure and function outputs the following: PolyPhen-2: "Possibly Damaging". The arginine amino acid residue is found in multiple mammalian species, which suggests that this missense change does not adversely affect protein function. In summary, the available evidence is currently insufficient to determine the role of this variant in disease. Therefore, it has been classified as a Variant of Uncertain Significance.